The following is an entry in ClinVar:

ClinVar aggregate classification (germline): Uncertain significance. Review status: criteria provided, multiple submitters, no conflicts (2 of 4 stars). 7 submissions from 5 submitters: Uncertain significance (6). 1 of the submissions does not count toward it. Last evaluated 2025-08-23.

Conditions:
Inborn genetic diseases. Identifiers: MedGen C0950123, MeSH D030342.
Retinitis pigmentosa 12 (RP12). Also called: RP WITH OR WITHOUT PPRPE; RP WITH OR WITHOUT PRESERVED PARAARTERIOLE RETINAL PIGMENT EPITHELIUM; RETINITIS PIGMENTOSA WITH OR WITHOUT PARAARTERIOLAR PRESERVATION OF RETINAL PIGMENT EPITHELIUM. Identifiers: Orphanet 791, MedGen C1838647, MONDO:0010818, OMIM 600105.
Leber congenital amaurosis 8 (LCA8). Identifiers: Orphanet 65, MedGen C3151202, MONDO:0013453, OMIM 613835.
Leber congenital amaurosis (LCA). Also called: Leber's amaurosis. Identifiers: Orphanet 65, MedGen C0339527, MeSH D057130, MONDO:0018998.
Pigmented paravenous retinochoroidal atrophy. Identifiers: Orphanet 251295, MedGen C1868310, MONDO:0008246, OMIM 172870.

Allele frequency attached by ClinVar (database versions not stated): gnomAD 0.00001; gnomAD exomes 0.00001 and 0.00002; ExAC 0.00002; TOPMed 0.00003.
gnomAD v4.1: 14 of 1,612,786 alleles (0.00087%); highest among the groups gnomAD compares: Admixed American, 0.0017%; no homozygotes.

Submissions (7):

Ambry Genetics
Classification: Uncertain significance for Inborn genetic diseases. Last evaluated: 2025-08-23. Review status: criteria provided, single submitter. Criteria: Ambry Variant Classification Scheme 2023. Collection method: clinical testing. Allele origin: germline.

Genome-Nilou Lab
Classification: Uncertain significance for Leber congenital amaurosis 8. Last evaluated: 2023-04-11. Review status: criteria provided, single submitter. Criteria: ACMG Guidelines, 2015. Collection method: clinical testing. Allele origin: germline. Affected: no.

Genome-Nilou Lab
Classification: Uncertain significance for Pigmented paravenous retinochoroidal atrophy. Last evaluated: 2023-04-11. Review status: criteria provided, single submitter. Criteria: ACMG Guidelines, 2015. Collection method: clinical testing. Allele origin: germline. Affected: no.

Genome-Nilou Lab
Classification: Uncertain significance for Retinitis pigmentosa 12. Last evaluated: 2023-04-11. Review status: criteria provided, single submitter. Criteria: ACMG Guidelines, 2015. Collection method: clinical testing. Allele origin: germline. Affected: no.

Labcorp Genetics (formerly Invitae), Labcorp
Classification: Uncertain significance for Leber congenital amaurosis 8; Retinitis pigmentosa 12. Last evaluated: 2021-08-30. Review status: criteria provided, single submitter. Criteria: Invitae Variant Classification Sherloc (09022015). Collection method: clinical testing. Allele origin: germline.
Comment: This sequence change replaces asparagine with histidine at codon 1243 of the CRB1 protein (p.Asn1243His). The asparagine residue is highly conserved and there is a small physicochemical difference between asparagine and histidine. This variant is present in population databases (rs746774206, ExAC 0.01%). This variant has not been reported in the literature in individuals affected with CRB1-related conditions. Algorithms developed to predict the effect of missense changes on protein structure and function (SIFT, PolyPhen-2, Align-GVGD) all suggest that this variant is likely to be disruptive. In summary, the available evidence is currently insufficient to determine the role of this variant in disease. Therefore, it has been classified as a Variant of Uncertain Significance.

Blueprint Genetics
Classification: Uncertain significance. Last evaluated: 2018-10-29. Review status: criteria provided, single submitter. Criteria: ACMG Guidelines, 2015. Collection method: clinical testing. Allele origin: germline.

Natera, Inc.
Classification: Uncertain significance for Leber congenital amaurosis. Last evaluated: 2020-11-19. Review status: no assertion criteria provided. Collection method: clinical testing. Allele origin: germline. Not counted in ClinVar's aggregate classification.

NM_201253.3(CRB1):c.3727A>C (p.Asn1243His)

Gene: CRB1 (crumbs cell polarity complex component 1; plus strand). Cytogenetic location: 1q31.3.
Variant type: single nucleotide variant.
Coding change: c.3727A>C on transcript NM_201253.3 (MANE Select); coding-DNA position 3727, A replaced by C.
Protein change: p.Asn1243His; replaces asparagine 1243 with histidine.
Molecular consequence: missense variant. On other transcripts: non-coding transcript variant (2), intron variant (1).
Genome position (GRCh38, 1-based): chr1:197,435,590, A>C. VCF-style: chr1-197435590-A-C. GRCh37 (hg19) VCF-style: chr1-197404720-A-C.
Other names: c.3391A>C, p.Asn1131His (NM_001193640.2); c.3655A>C, p.Asn1219His (NM_001257965.2); c.2129-10A>C (NM_001257966.2); short protein forms N1131H, N1243H, N1219H.
Identifiers: ClinVar variation 837074 (VCV000837074.8), dbSNP rs746774206, ClinGen allele CA1312382.
Genomic context (GRCh38, chr1:197,435,590, plus strand): 5'-TGTGCAAATGGAGCCACCTGCATTAGTCATACTAATGGCTATTCTTGCCTCTGTTTTGGA[A>C]ATTTTACAGGAAAATTTTGCAGGTGAGCATAAAGTCCATATGAAGCTTGGTCTTTGAAGC-3'
Protein context (NP_957705.1, residues 1233-1253): TNGYSCLCFG[Asn1243His]FTGKFCRQSR